The following is an entry in ClinVar:

ClinVar aggregate classification (germline): Uncertain significance (1 of 4 stars; one submission).

Submission:

GeneDx
Classification: Uncertain significance. Last evaluated: 2025-03-13. Review status: criteria provided, single submitter. Criteria: GeneDx Variant Classification Process June 2021. Collection method: clinical testing. Allele origin: germline. Affected: yes.
Comment: Not observed at significant frequency in large population cohorts (gnomAD); In silico analysis supports that this missense variant has a deleterious effect on protein structure/function; Reported de novo in one proband from a large cohort with developmental disorders, but detailed clinical information was not provided (PMID: 33057194); This variant is associated with the following publications: (PMID: 35982159, 33057194)

NM_002470.4(MYH3):c.5466G>T (p.Glu1822Asp)

Gene: MYH3 (myosin heavy chain 3; minus strand). Cytogenetic location: 17p13.1.
Variant type: single nucleotide variant.
Coding change: c.5466G>T on transcript NM_002470.4 (MANE Select); coding-DNA position 5466, G replaced by T.
Protein change: p.Glu1822Asp; replaces glutamic acid 1822 with aspartic acid.
Molecular consequence: missense variant.
Genome position (GRCh38, 1-based): chr17:10,630,188, C>A on the plus strand (G>T on the coding strand, the complement: MYH3 is on the minus strand). VCF-style: chr17-10630188-C-A. GRCh37 (hg19) VCF-style: chr17-10533505-C-A.
Other names: short protein forms E1822D.
Identifiers: ClinVar variation 4086439 (VCV004086439.1).
Genomic context (GRCh38, chr17:10,630,188, plus strand): 5'-CCTCAGGCCCTTAACAGACTCTGTGTTCTTCTTCTGCTCTCCCTCAAGTTCAAACTCCAG[C>A]TCTCGGATCTGGGGGAGAGGGTGGGGAAATTAGTCTGGGGCTGCAGCGTGATTGGGAGGC-3'
Protein context (NP_002461.2, residues 1812-1832): QIQKLETRIR[Glu1822Asp]LEFELEGEQK